The following is an entry in ClinVar:

ClinVar aggregate classification (germline): Pathogenic (1 of 4 stars; one submission).

Submission:

Labcorp Genetics (formerly Invitae), Labcorp
Classification: Pathogenic. Last evaluated: 2023-07-12. Review status: criteria provided, single submitter. Criteria: Invitae Variant Classification Sherloc (09022015). Collection method: clinical testing. Allele origin: germline.
Comment: For these reasons, this variant has been classified as Pathogenic. This variant has not been reported in the literature in individuals affected with RTN4IP1-related conditions. This variant is a gross deletion of the genomic region encompassing exon(s) 6 of the RTN4IP1 gene. This deletion is out-of-frame, and is expected to create a premature termination codon and result in an absent or disrupted protein product. Loss-of-function variants in RTN4IP1 are known to be pathogenic (PMID: 26593267).

Literature cited by the submitters: PubMed 26593267.

NC_000006.11:g.(?_107040019)_(107040195_?)del

Gene: RTN4IP1 (reticulon 4 interacting protein 1; minus strand). Cytogenetic location: 6q21.
Variant type: Deletion.
Identifiers: ClinVar variation 2427062 (VCV002427062.4).